The following is an entry in ClinVar:

ClinVar aggregate classification (germline): Pathogenic (1 of 4 stars; one submission).

Submission:

Labcorp Genetics (formerly Invitae), Labcorp
Classification: Pathogenic. Last evaluated: 2023-12-13. Review status: criteria provided, single submitter. Criteria: Invitae Variant Classification Sherloc (09022015). Collection method: clinical testing. Allele origin: germline.
Comment: This sequence change creates a premature translational stop signal (p.Val15Leufs*324) in the CYP27B1 gene. It is expected to result in an absent or disrupted protein product. Loss-of-function variants in CYP27B1 are known to be pathogenic (PMID: 9837822, 17488797). This variant is present in population databases (rs752330549, gnomAD 0.006%). This variant has not been reported in the literature in individuals affected with CYP27B1-related conditions. For these reasons, this variant has been classified as Pathogenic.

Literature cited by the submitters: PubMed 9837822; PubMed 17488797.

NM_000785.4(CYP27B1):c.24_42dup (p.Val15fs)

Gene: CYP27B1 (cytochrome P450 family 27 subfamily B member 1; minus strand). Cytogenetic location: 12q14.1.
Variant type: Duplication.
Coding change: c.24_42dup on transcript NM_000785.4 (MANE Select); coding-DNA positions 24 to 42, 19 bases duplicated (CTCCAGAGTGTTCCATCGC).
Protein change: p.Val15fs; shifts the reading frame from valine 15.
Molecular consequence: frameshift variant.
Genome position (GRCh38, 1-based): chr12:57,767,000-57,767,018, GCGATGGAACACTCTGGAG duplicated on the plus strand (CTCCAGAGTGTTCCATCGC on the coding strand, the reverse complement: CYP27B1 is on the minus strand); duplicating any 19 consecutive bases within chr12:57,767,000-57,767,021 gives the same sequence; the c. name uses the placement nearest the transcript's 3' end. VCF-style (leftmost placement, unchanged base first): chr12-57766999-C-CGCGATGGAACACTCTGGAG. GRCh37 (hg19) VCF-style: chr12-58160782-C-CGCGATGGAACACTCTGGAG.
Other names: short protein forms V15fs.
Identifiers: ClinVar variation 2776221 (VCV002776221.3), dbSNP rs752330549, ClinGen allele CA6658559.